The following is an entry in ClinVar:

NM_000321.3(RB1):c.890T>C (p.Ile297Thr)

Gene: RB1 (RB transcriptional corepressor 1; plus strand). Cytogenetic location: 13q14.2.
Variant type: single nucleotide variant.
Coding change: c.890T>C on transcript NM_000321.3 (MANE Select); coding-DNA position 890, T replaced by C.
Protein change: p.Ile297Thr; replaces isoleucine 297 with threonine.
Molecular consequence: missense variant.
Genome position (GRCh38, 1-based): chr13:48,364,922, T>C. VCF-style: chr13-48364922-T-C. GRCh37 (hg19) VCF-style: chr13-48939058-T-C.
Other names: short protein forms I297T.
Identifiers: ClinVar variation 639804 (VCV000639804.10), dbSNP rs1593446608, ClinGen allele CA388159939.

ClinVar aggregate classification (germline): Uncertain significance. Review status: criteria provided, multiple submitters, no conflicts (2 of 4 stars). 3 submissions from 3 submitters: Uncertain significance (3). Last evaluated 2025-06-09.

Conditions:
Retinoblastoma (RB1). Also called: RETINOBLASTOMA, SOMATIC. Identifiers: Orphanet 790, MedGen C0035335, MeSH D012175, MONDO:0008380, OMIM 180200, HP:0009919. Disease mechanism: loss of function. Inheritance: Both sporadic and heritable forms are tested..
Malignant tumor of urinary bladder. Also called: Bladder cancer; Urinary Bladder Neoplasms; Urinary bladder cancer. Identifiers: MedGen C0005684, MONDO:0001187, OMIM 109800.

Submissions (3):

Color Diagnostics, LLC DBA Color Health
Classification: Uncertain significance for Retinoblastoma. Last evaluated: 2025-06-09. Review status: criteria provided, single submitter. Criteria: ACMG Guidelines, 2015. Collection method: clinical testing. Allele origin: germline.
Comment: This missense variant replaces isoleucine with threonine at codon 297 of the RB1 protein. Computational prediction suggests that this variant may not impact protein structure and function. To our knowledge, functional studies have not been reported for this variant. This variant has not been reported in individuals affected with RB1-related disorders in the literature. This variant has not been identified in the general population by the Genome Aggregation Database (gnomAD). The available evidence is insufficient to determine the role of this variant in disease conclusively. Therefore, this variant is classified as a Variant of Uncertain Significance.

Labcorp Genetics (formerly Invitae), Labcorp
Classification: Uncertain significance for Retinoblastoma. Last evaluated: 2024-04-22. Review status: criteria provided, single submitter. Criteria: Invitae Variant Classification Sherloc (09022015). Collection method: clinical testing. Allele origin: germline.
Comment: This sequence change replaces isoleucine, which is neutral and non-polar, with threonine, which is neutral and polar, at codon 297 of the RB1 protein (p.Ile297Thr). This variant is not present in population databases (gnomAD no frequency). This variant has not been reported in the literature in individuals affected with RB1-related conditions. ClinVar contains an entry for this variant (Variation ID: 639804). Advanced modeling of protein sequence and biophysical properties (such as structural, functional, and spatial information, amino acid conservation, physicochemical variation, residue mobility, and thermodynamic stability) performed at Invitae indicates that this missense variant is not expected to disrupt RB1 protein function with a negative predictive value of 80%. In summary, the available evidence is currently insufficient to determine the role of this variant in disease. Therefore, it has been classified as a Variant of Uncertain Significance.

Baylor Genetics
Classification: Uncertain significance for Malignant tumor of urinary bladder. Last evaluated: 2024-02-07. Review status: criteria provided, single submitter. Criteria: ACMG Guidelines, 2015. Collection method: clinical testing. Allele origin: unknown.